The following is an entry in ClinVar:

ClinVar aggregate classification (germline): Likely benign (1 of 4 stars; one submission).

gnomAD v4.1: 254 of 1,613,680 alleles (0.016%); highest among the groups gnomAD compares: Admixed American, 0.048%; no homozygotes.

Submission:

CeGaT Center for Human Genetics Tuebingen
Classification: Likely benign. Last evaluated: 2025-02-01. Review status: criteria provided, single submitter. Criteria: CeGaT Center For Human Genetics Tuebingen Variant Classification Criteria Version 2. Collection method: clinical testing. Allele origin: germline. Affected: yes. Observed: 1 variant allele.
Comment: CDC42BPB: BP4, BP7

NM_006035.4(CDC42BPB):c.1527A>G (p.Arg509=)

Gene: CDC42BPB (CDC42 binding protein kinase beta; minus strand). Cytogenetic location: 14q32.32.
Variant type: single nucleotide variant.
Coding change: c.1527A>G on transcript NM_006035.4 (MANE Select); coding-DNA position 1527, A replaced by G.
Protein change: p.Arg509=; no amino-acid change (arginine 509 retained).
Molecular consequence: synonymous variant.
Genome position (GRCh38, 1-based): chr14:102,974,130, T>C on the plus strand (A>G on the coding strand, the complement: CDC42BPB is on the minus strand). VCF-style: chr14-102974130-T-C. GRCh37 (hg19) VCF-style: chr14-103440467-T-C.
Other names: c.1527A>G, p.Arg509= (NM_001411054.1).
Identifiers: ClinVar variation 3770747 (VCV003770747.13).
Genomic context (GRCh38, chr14:102,974,130, plus strand): 5'-CCGCAGCCGCTGCGTGGAGTCCTCACGCTCTTGGCGAAGCGCCACTGTGTCCTCAAGCTG[T>C]CGCTCGAGCCTGTTTGAATCTGGACAAAAGAGGAAATAAACTCTGTTCCTTTATGTGCAA-3'
Protein context (NP_006026.3, residues 499-519): NKIADSNRLE[Arg509=]QLEDTVALRQ